The following is an entry in ClinVar:

NM_001567.4(INPPL1):c.3211C>T (p.Pro1071Ser)

Gene: INPPL1 (inositol polyphosphate phosphatase like 1; plus strand). Cytogenetic location: 11q13.4.
Variant type: single nucleotide variant.
Coding change: c.3211C>T on transcript NM_001567.4 (MANE Select); coding-DNA position 3211, C replaced by T.
Protein change: p.Pro1071Ser; replaces proline 1071 with serine.
Molecular consequence: missense variant.
Genome position (GRCh38, 1-based): chr11:72,237,455, C>T. VCF-style: chr11-72237455-C-T. GRCh37 (hg19) VCF-style: chr11-71948499-C-T.
Other names: short protein forms P1071S.
Identifiers: ClinVar variation 1905255 (VCV001905255.5), dbSNP rs1342079410, ClinGen allele CA381738236.
Genomic context (GRCh38, chr11:72,237,455, plus strand): 5'-CCAGACTTTCCACCTCCACCACTGCCGGACTCAGCCATCTTCCTGCCCCCCAGCCTGGAT[C>T]CTTTACCAGGGCCAGTGGTCCGGGGCCGTGGTGGGGCTGAGGCCCGTGGCCCACCACCTC-3'
Protein context (NP_001558.3, residues 1061-1081): SAIFLPPSLD[Pro1071Ser]LPGPVVRGRG

ClinVar aggregate classification (germline): Uncertain significance (1 of 4 stars; one submission).

Allele frequency attached by ClinVar (database versions not stated): gnomAD 0.00001.

Submission:

Labcorp Genetics (formerly Invitae), Labcorp
Classification: Uncertain significance. Last evaluated: 2022-05-21. Review status: criteria provided, single submitter. Criteria: Invitae Variant Classification Sherloc (09022015). Collection method: clinical testing. Allele origin: germline.
Comment: This sequence change replaces proline, which is neutral and non-polar, with serine, which is neutral and polar, at codon 1071 of the INPPL1 protein (p.Pro1071Ser). This variant is not present in population databases (gnomAD no frequency). This variant has not been reported in the literature in individuals affected with INPPL1-related conditions. Algorithms developed to predict the effect of missense changes on protein structure and function output the following: SIFT: "Deleterious"; PolyPhen-2: "Possibly Damaging"; Align-GVGD: "Class C0". The serine amino acid residue is found in multiple mammalian species, which suggests that this missense change does not adversely affect protein function. In summary, the available evidence is currently insufficient to determine the role of this variant in disease. Therefore, it has been classified as a Variant of Uncertain Significance.